The following is an entry in ClinVar:

NM_004360.5(CDH1):c.2165-10A>C

Gene: CDH1 (cadherin 1; plus strand). Cytogenetic location: 16q22.1.
Variant type: single nucleotide variant.
Coding change: c.2165-10A>C on transcript NM_004360.5 (MANE Select); 10 bases into the intron before coding-DNA position 2165, A replaced by C.
Molecular consequence: intron variant.
Genome position (GRCh38, 1-based): chr16:68,828,164, A>C. VCF-style: chr16-68828164-A-C. GRCh37 (hg19) VCF-style: chr16-68862067-A-C.
Other names: c.2165-10A>C (LRG_301t1); c.617-10A>C (NM_001317185.2); c.200-10A>C (NM_001317186.2); c.1982-10A>C (NM_001317184.2).
Identifiers: ClinVar variation 216592 (VCV000216592.19), dbSNP rs753982211, ClinGen allele CA338927.

ClinVar aggregate classification (germline): Likely benign. Review status: criteria provided, multiple submitters, no conflicts (2 of 4 stars). 5 submissions from 5 submitters: Likely benign (5). Last evaluated 2025-07-08.

Conditions:
Hereditary cancer-predisposing syndrome. Also called: Neoplastic Syndromes, Hereditary; Tumor predisposition; Hereditary Cancer Syndrome; Hereditary neoplastic syndrome. Identifiers: Orphanet 140162, MedGen C0027672, MeSH D009386, MONDO:0015356.
Hereditary diffuse gastric adenocarcinoma (HDGC). Also called: DIFFUSE GASTRIC AND LOBULAR BREAST CANCER SYNDROME. Identifiers: Orphanet 26106, MedGen C1708349, MONDO:0007648, OMIM 137215.

Allele frequency attached by ClinVar (database versions not stated): gnomAD exomes below 0.00001 and 0.00001; ExAC 0.00001; gnomAD 0.00001; TOPMed 0.00001.
gnomAD v4.1: 12 of 1,613,414 alleles (0.00074%); highest among the groups gnomAD compares: Non-Finnish European, 0.00085%; no homozygotes.

Submissions (5):

Labcorp Genetics (formerly Invitae), Labcorp
Classification: Likely benign for Hereditary diffuse gastric adenocarcinoma. Last evaluated: 2025-07-08. Review status: criteria provided, single submitter. Criteria: Invitae Variant Classification Sherloc (09022015). Collection method: clinical testing. Allele origin: germline.

Myriad Genetics, Inc.
Classification: Likely benign for Hereditary diffuse gastric adenocarcinoma. Last evaluated: 2024-09-20. Review status: criteria provided, single submitter. Criteria: Myriad Autosomal Dominant, Autosomal Recessive and X-Linked Classification Criteria (2023). Collection method: clinical testing. Allele origin: unknown.
Comment: This variant is considered likely benign. This variant is intronic and is not expected to impact mRNA splicing.

Blueprint Genetics
Classification: Likely benign. Last evaluated: 2024-08-29. Review status: criteria provided, single submitter. Criteria: ACMG Guidelines, 2015. Collection method: clinical testing. Allele origin: germline.

GeneDx
Classification: Likely benign. Last evaluated: 2020-11-27. Review status: criteria provided, single submitter. Criteria: GeneDx Variant Classification Process June 2021. Collection method: clinical testing. Allele origin: germline. Affected: yes.

Color Diagnostics, LLC DBA Color Health
Classification: Likely benign for Hereditary cancer-predisposing syndrome. Last evaluated: 2016-02-22. Review status: criteria provided, single submitter. Criteria: ACMG Guidelines, 2015. Collection method: clinical testing. Allele origin: germline.